The following is an entry in ClinVar:

NM_001100913.3(PACS2):c.631G>A (p.Glu211Lys)

Gene: PACS2 (phosphofurin acidic cluster sorting protein 2; plus strand). Cytogenetic location: 14q32.33.
Variant type: single nucleotide variant.
Coding change: c.631G>A on transcript NM_001100913.3 (MANE Select); coding-DNA position 631, G replaced by A.
Protein change: p.Glu211Lys; replaces glutamic acid 211 with lysine.
Molecular consequence: missense variant.
Genome position (GRCh38, 1-based): chr14:105,368,118, G>A. VCF-style: chr14-105368118-G-A. GRCh37 (hg19) VCF-style: chr14-105834455-G-A.
Other names: c.430G>A, p.Glu144Lys (NM_001243127.3); c.631G>A, p.Glu211Lys (NM_015197.4); short protein forms E144K, E211K.
Identifiers: ClinVar variation 807184 (VCV000807184.53), dbSNP rs1595718024, ClinGen allele CA391174553.
Genomic context (GRCh38, chr14:105,368,118, plus strand): 5'-TCTGTTCATTCCGCAGATAACTACTCCGAGGAGGAGTATGAGAGCTTCTCCTCCGAGCAG[G>A]AGGCCAGTGACGACGCCGTGCAGGGGCAGGTGACCTGGGGCCGGGGCTCCGCGCCCTCTC-3'
Protein context (NP_001094383.2, residues 201-221): EEYESFSSEQ[Glu211Lys]ASDDAVQGQD

ClinVar aggregate classification (germline): Conflicting classifications of pathogenicity. Review status: criteria provided, conflicting classifications (1 of 4 stars). 4 submissions from 4 submitters: Pathogenic (3); Uncertain significance (1). Last evaluated 2026-03-05.

Conditions:
Developmental and epileptic encephalopathy, 66. Also called: EPILEPTIC ENCEPHALOPATHY, EARLY INFANTILE, 66. Identifiers: MedGen C4748070, MONDO:0054845, OMIM 618067.

Submissions (4):

Clinical Genomics Laboratory, Washington University in St. Louis
Classification: Pathogenic for Developmental and epileptic encephalopathy, 66. Last evaluated: 2026-03-05. Review status: criteria provided, single submitter. Criteria: ACMG Guidelines, 2015. Collection method: clinical testing. Allele origin: germline. Affected: yes.
Comment: The PACS2 c.631G>A (p.Glu211Lys) variant has been reported as occurring de novo in an individual with developmental and epileptic encephalopathy (Dentici ML et al., PMID: 30684285). This variant is absent from the general population (gnomAD v4.1.0), indicating it is not a common variant. This variant resides within the autoregulatory region within the cargo(furin)-binding region (FBR) domain, amino acids 117-266, of PACS2 that is defined as a critical functional domain (Olson HE et al., PMID: 29656858). Functional studies show that this variant diminishes mitochondrial Ca2+ uptake and triggers an exaggerated cytosolic Ca2+ accumulation in cortical neurons, indicating that this variant impacts protein function (Nhung T et al., PMID: 37523531). In contrast, computational predictors suggest that the variant does not impact PACS2 function. This variant has been reported in the ClinVar database as a germline pathogenic variant by two submitters and a variant of uncertain significance by one submitter. Based on available information and the ACMG/AMP guidelines for variant interpretation (Richards S et al., PMID: 25741868), this variant is classified as pathogenic.

Labcorp Genetics (formerly Invitae), Labcorp
Classification: Pathogenic. Last evaluated: 2022-08-20. Review status: criteria provided, single submitter. Criteria: Invitae Variant Classification Sherloc (09022015). Collection method: clinical testing. Allele origin: germline.
Comment: For these reasons, this variant has been classified as Pathogenic. Algorithms developed to predict the effect of missense changes on protein structure and function are either unavailable or do not agree on the potential impact of this missense change (SIFT: "Tolerated"; PolyPhen-2: "Possibly Damaging"; Align-GVGD: "Class C15"). ClinVar contains an entry for this variant (Variation ID: 807184). This missense change has been observed in individual(s) with clinical features of PACS2-related conditions and/or developmental and epileptic encephalopathy (PMID: 30684285; Invitae). In at least one individual the variant was observed to be de novo. This variant is not present in population databases (gnomAD no frequency). This sequence change replaces glutamic acid, which is acidic and polar, with lysine, which is basic and polar, at codon 211 of the PACS2 protein (p.Glu211Lys).

GeneDx
Classification: Pathogenic. Last evaluated: 2022-04-07. Review status: criteria provided, single submitter. Criteria: GeneDx Variant Classification Process June 2021. Collection method: clinical testing. Allele origin: germline. Affected: yes.
Comment: Not observed in large population cohorts (gnomAD); In silico analysis supports that this missense variant has a deleterious effect on protein structure/function; This variant is associated with the following publications: (PMID: 30684285, 33243487, 32416568)

CeGaT Center for Human Genetics Tuebingen
Classification: Uncertain significance. Last evaluated: 2016-06-01. Review status: criteria provided, single submitter. Criteria: CeGaT Center For Human Genetics Tuebingen Variant Classification Criteria Version 2. Collection method: clinical testing. Allele origin: germline. Affected: yes. Observed: 1 variant allele.

Literature cited by the submitters: PubMed 30684285 (cited by Labcorp Genetics (formerly Invitae), Labcorp).